The following is an entry in ClinVar:

NM_020632.3(ATP6V0A4):c.1986T>C (p.Leu662=)

Gene: ATP6V0A4 (ATPase H+ transporting V0 subunit a4; minus strand). Cytogenetic location: 7q34.
Variant type: single nucleotide variant.
Coding change: c.1986T>C on transcript NM_020632.3 (MANE Select); coding-DNA position 1986, T replaced by C.
Protein change: p.Leu662=; no amino-acid change (leucine 662 retained).
Molecular consequence: synonymous variant.
Genome position (GRCh38, 1-based): chr7:138,728,785, A>G on the plus strand (T>C on the coding strand, the complement: ATP6V0A4 is on the minus strand). VCF-style: chr7-138728785-A-G. GRCh37 (hg19) VCF-style: chr7-138413530-A-G.
Other names: c.1986T>C, p.Leu662= (NM_130840.3, NM_130841.3).
Identifiers: ClinVar variation 3029359 (VCV003029359.2), dbSNP rs1804841555, ClinGen allele CA457941731.

ClinVar aggregate classification (germline): Likely benign (0 of 4 stars; one submission).

Conditions:
ATP6V0A4-related disorder. Also called: ATP6V0A4-related condition.

Allele frequency attached by ClinVar (database versions not stated): TOPMed below 0.00001; gnomAD 0.00001.

Submission:

PreventionGenetics, part of Exact Sciences
Classification: Likely benign for ATP6V0A4-related condition. Last evaluated: 2021-12-23. Review status: no assertion criteria provided. Collection method: clinical testing. Allele origin: germline.
Comment: This variant is classified as likely benign based on ACMG/AMP sequence variant interpretation guidelines (Richards et al. 2015 PMID: 25741868, with internal and published modifications).